The following is an entry in ClinVar:

NM_145331.3(MAP3K7):c.980C>T (p.Thr327Met)

Gene: MAP3K7 (mitogen-activated protein kinase kinase kinase 7; minus strand). Cytogenetic location: 6q15.
Variant type: single nucleotide variant.
Coding change: c.980C>T on transcript NM_145331.3 (MANE Select); coding-DNA position 980, C replaced by T.
Protein change: p.Thr327Met; replaces threonine 327 with methionine.
Molecular consequence: missense variant.
Genome position (GRCh38, 1-based): chr6:90,548,147, G>A on the plus strand (C>T on the coding strand, the complement: MAP3K7 is on the minus strand). VCF-style: chr6-90548147-G-A. GRCh37 (hg19) VCF-style: chr6-91257866-G-A.
Other names: c.980C>T, p.Thr327Met (NM_003188.4, NM_145332.3, NM_145333.3); c.980C>T (NM_145331.1); short protein forms T327M.
Identifiers: ClinVar variation 2903891 (VCV002903891.4), dbSNP rs760227252, ClinGen allele CA3928503.

ClinVar aggregate classification (germline): Uncertain significance. Review status: criteria provided, multiple submitters, no conflicts (2 of 4 stars). 2 submissions from 2 submitters: Uncertain significance (2). Last evaluated 2025-08-20.

Conditions:
Inborn genetic diseases. Identifiers: MedGen C0950123, MeSH D030342.

Allele frequency attached by ClinVar (database versions not stated): TOPMed below 0.00001; ExAC 0.00001.
gnomAD v4.1: 10 of 1,611,388 alleles (0.00062%); highest among the groups gnomAD compares: East Asian, 0.0022%; no homozygotes.

Submissions (2):

Ambry Genetics
Classification: Uncertain significance for Inborn genetic diseases. Last evaluated: 2025-08-20. Review status: criteria provided, single submitter. Criteria: Ambry Variant Classification Scheme 2023. Collection method: clinical testing. Allele origin: germline.

Labcorp Genetics (formerly Invitae), Labcorp
Classification: Uncertain significance. Last evaluated: 2025-02-24. Review status: criteria provided, single submitter. Criteria: Invitae Variant Classification Sherloc (09022015). Collection method: clinical testing. Allele origin: germline.
Comment: This sequence change replaces threonine, which is neutral and polar, with methionine, which is neutral and non-polar, at codon 327 of the MAP3K7 protein (p.Thr327Met). This variant is present in population databases (rs760227252, gnomAD 0.006%). This variant has not been reported in the literature in individuals affected with MAP3K7-related conditions. ClinVar contains an entry for this variant (Variation ID: 2903891). An algorithm developed to predict the effect of missense changes on protein structure and function (PolyPhen-2) suggests that this variant is likely to be tolerated. In summary, the available evidence is currently insufficient to determine the role of this variant in disease. Therefore, it has been classified as a Variant of Uncertain Significance.